The following is an entry in ClinVar:

NM_000206.3(IL2RG):c.97A>G (p.Asn33Asp)

Genes: IL2RG (interleukin 2 receptor subunit gamma; minus strand), LOC126863274 (MED14-independent group 3 enhancer GRCh37_chrX:70330888-70332087; plus strand). Cytogenetic location: Xq13.1.
Variant type: single nucleotide variant.
Coding change: c.97A>G on transcript NM_000206.3 (MANE Select); coding-DNA position 97, A replaced by G.
Protein change: p.Asn33Asp; replaces asparagine 33 with aspartic acid.
Molecular consequence: missense variant.
Genome position (GRCh38, 1-based): chrX:71,111,443, T>C on the plus strand (A>G on the coding strand, the complement: IL2RG is on the minus strand). VCF-style: chrX-71111443-T-C. GRCh37 (hg19) VCF-style: chrX-70331293-T-C.
Other names: short protein forms N33D.
Identifiers: ClinVar variation 1905097 (VCV001905097.5), dbSNP rs2519648648, ClinGen allele CA413497605.
Genomic context (GRCh38, chrX:71,111,443, plus strand): 5'-GCCACCCTTCTCACCAGCCCCCTCCAGTCCCAGATTTCCCACCAGCTGTGGTGTCTTCAT[T>C]CCCATTGGGCGTCAGAATTGTCGTGTTCAGCCCCACTCCCAGCAGGGGCAGCTGCAGGAA-3'
Protein context (NP_000197.1, residues 23-43): LNTTILTPNG[Asn33Asp]EDTTADFFLT

ClinVar aggregate classification (germline): Uncertain significance (1 of 4 stars; one submission).

Conditions:
X-linked severe combined immunodeficiency (SCIDX1). Also called: IMMUNODEFICIENCY 4; SCID, X-LINKED; SEVERE COMBINED IMMUNODEFICIENCY, X-LINKED, T CELL-NEGATIVE, B CELL-POSITIVE, NK CELL-NEGATIVE; T-B+ severe combined immunodeficiency due to gamma chain deficiency; X-Linked Combined Immunodeficiency Diseases. Identifiers: Orphanet 276, MedGen C6022468, MONDO:0010315, OMIM 300400. Disease mechanism: loss of function.

Allele frequency attached by ClinVar (database versions not stated): gnomAD exomes below 0.00001.
gnomAD v4.1: 2 of 1,211,070 alleles (0.00017%); highest among the groups gnomAD compares: Non-Finnish European, 0.00022%; no homozygotes.

Submission:

Labcorp Genetics (formerly Invitae), Labcorp
Classification: Uncertain significance for X-linked severe combined immunodeficiency. Last evaluated: 2022-09-16. Review status: criteria provided, single submitter. Criteria: Invitae Variant Classification Sherloc (09022015). Collection method: clinical testing. Allele origin: germline.
Comment: This sequence change replaces asparagine, which is neutral and polar, with aspartic acid, which is acidic and polar, at codon 33 of the IL2RG protein (p.Asn33Asp). In summary, the available evidence is currently insufficient to determine the role of this variant in disease. Therefore, it has been classified as a Variant of Uncertain Significance. Advanced modeling of protein sequence and biophysical properties (such as structural, functional, and spatial information, amino acid conservation, physicochemical variation, residue mobility, and thermodynamic stability) performed at Invitae indicates that this missense variant is not expected to disrupt IL2RG protein function. This variant has not been reported in the literature in individuals affected with IL2RG-related conditions. This variant is not present in population databases (gnomAD no frequency).